The following is an entry in ClinVar:

ClinVar aggregate classification (germline): Uncertain significance (1 of 4 stars; one submission).

Conditions:
Inborn genetic diseases. Identifiers: MedGen C0950123, MeSH D030342.

Submission:

Ambry Genetics
Classification: Uncertain significance for Inborn genetic diseases. Last evaluated: 2026-02-23. Review status: criteria provided, single submitter. Criteria: Ambry Variant Classification Scheme 2023. Collection method: clinical testing. Allele origin: germline.
Comment: The p.K1267E variant (also known as c.3799A>G), located in coding exon 14 of the FANCM gene, results from an A to G substitution at nucleotide position 3799. The lysine at codon 1267 is replaced by glutamic acid, an amino acid with similar properties. This amino acid position is conserved. In addition, this alteration is predicted to be tolerated by in silico analysis. Based on the available evidence, the clinical significance of this variant remains unclear.

NM_020937.4(FANCM):c.3799A>G (p.Lys1267Glu)

Gene: FANCM (FA complementation group M; plus strand). Cytogenetic location: 14q21.2.
Variant type: single nucleotide variant.
Coding change: c.3799A>G on transcript NM_020937.4 (MANE Select); coding-DNA position 3799, A replaced by G.
Protein change: p.Lys1267Glu; replaces lysine 1267 with glutamic acid.
Molecular consequence: missense variant.
Genome position (GRCh38, 1-based): chr14:45,176,553, A>G. VCF-style: chr14-45176553-A-G. GRCh37 (hg19) VCF-style: chr14-45645756-A-G.
Other names: c.3721A>G, p.Lys1241Glu (NM_001308133.2); short protein forms K1241E, K1267E.
Identifiers: ClinVar variation 4825990 (VCV004825990.1).